The following continues an entry in ClinVar:

NM_002074.5(GNB1):c.239T>C (p.Ile80Thr)

Gene: GNB1. ClinVar aggregate classification (germline): Pathogenic/Likely pathogenic. Pathogenic (27); Likely pathogenic (1).

Submissions 7 to 21 of 38:

Labcorp Genetics (formerly Invitae), Labcorp
Classification: Pathogenic. Last evaluated: 2024-12-02. Review status: criteria provided, single submitter. Criteria: Invitae Variant Classification Sherloc (09022015). Collection method: clinical testing. Allele origin: germline.
Comment: This sequence change replaces isoleucine, which is neutral and non-polar, with threonine, which is neutral and polar, at codon 80 of the GNB1 protein (p.Ile80Thr). This variant is not present in population databases (gnomAD no frequency). This missense change has been observed in individual(s) with clinical features of GNB1-related conditions (PMID: 27108799). In at least one individual the variant was observed to be de novo. ClinVar contains an entry for this variant (Variation ID: 208722). Invitae Evidence Modeling of protein sequence and biophysical properties (such as structural, functional, and spatial information, amino acid conservation, physicochemical variation, residue mobility, and thermodynamic stability) indicates that this missense variant is expected to disrupt GNB1 protein function with a positive predictive value of 80%. Experimental studies have shown that this missense change affects GNB1 function (PMID: 25485910). For these reasons, this variant has been classified as Pathogenic.

Blueprint Genetics
Classification: Pathogenic for GNB1-related disorders. Last evaluated: 2024-11-13. Review status: criteria provided, single submitter. Criteria: ACMG Guidelines, 2015. Collection method: clinical testing. Allele origin: germline. Affected: yes. Observed: 3 variant alleles.

Victorian Clinical Genetics Services, Murdoch Childrens Research Institute
Classification: Pathogenic for Intellectual developmental disorder, autosomal dominant 42. Last evaluated: 2024-10-09. Review status: criteria provided, single submitter. Criteria: ACMG Guidelines, 2015. Collection method: clinical testing. Allele origin: germline. Inheritance: Autosomal dominant inheritance. Affected: yes.
Comment: Based on the classification scheme VCGS_Germline_v1.3.4, this variant is classified as Pathogenic. Following criteria are met: 0102 - Loss of function is a suggested mechanism of disease in this gene and is associated with intellectual development disorder, 42 (MIM#616973). However, a dominant-negative disease mechanism has not been excluded for missense variants (PMID: 28087732, 32918542). (I) 0107 - This gene is associated with autosomal dominant disease. (I) 0115 - Variants in this gene are known to have variable expressivity. Phenotypes reported to have variability include epilepsy/seizures and brain abnormalities (PMID: 32918542). (I) 0200 - Variant is predicted to result in a missense amino acid change from isoleucine to threonine. (I) 0251 - This variant is heterozygous. (I) 0301 - Variant is absent from gnomAD (both v2 and v3). (SP) 0309 - Multiple amino acid changes at the same position has been observed in gnomAD (v2) (1 heterozygote, 0 homozygotes). (I) 0502 - Missense variant with conflicting in silico predictions and very high conservation. (I) 0603 - Missense variant in a region that is highly intolerant to missense variation (high constraint region in DECIPHER). (SP) 0702 - Other missense variants comparable to the one identified in this case have strong previous evidence for pathogenicity. p.(Ile80Asn) and p.(Ile80Ser) have been reported as pathogenic/likely pathogenic by multiple clinical laboratories (ClinVar). (SP) 0801 - This variant has strong previous evidence of pathogenicity in unrelated individuals. It has been reported as pathogenic by multiple clinical laboratories (ClinVar). (SP) Legend: (SP) - Supporting pathogenic, (I) - Information, (SB) - Supporting benign

Genomic Medicine Center of Excellence, King Faisal Specialist Hospital and Research Centre
Classification: Pathogenic for Intellectual developmental disorder, autosomal dominant 42. Last evaluated: 2024-04-04. Review status: criteria provided, single submitter. Criteria: ACMG Guidelines, 2015. Collection method: clinical testing. Allele origin: germline.

Duke University Health System Sequencing Clinic, Duke University Health System
Classification: Pathogenic for Intellectual developmental disorder, autosomal dominant 42. Last evaluated: 2023-04-20. Review status: criteria provided, single submitter. Criteria: ACMG Guidelines, 2015. Collection method: research. Allele origin: de novo. Affected: yes.

Broad Center for Mendelian Genomics, Broad Institute of MIT and Harvard
Classification: Pathogenic for Intellectual developmental disorder, autosomal dominant 42. Last evaluated: 2022-05-04. Review status: criteria provided, single submitter. Criteria: ACMG Guidelines, 2015. Collection method: curation. Allele origin: germline. Inheritance: Autosomal dominant inheritance.
Comment: Trio exome analysis showed this variant to be de novo. This variant is assumed de novo in 1 individual, but maternity and paternity have not been confirmed (PMID: 31735425). The variant has been reported in at least 15 individuals of Japanese, North African, European non-Finnish, and unknown ethnicity with intellectual disability, autosomal dominant 42 (PMID: 25485910, 27108799, 30194818, 31735425), but was absent from large population studies. This variant has also been reported in ClinVar (Variation ID: 208722) and has been interpreted as pathogenic by many labs, and likely pathogenic by University of Washington Center for Mendelian Genomics. In vitro functional studies provide some evidence that the variant may slightly impact protein function (PMID: 25485910). However, these types of assays may not accurately represent biological function. Computational prediction tools and conservation analyses do not provide strong support for or against an impact to the protein. Multiple variants in the same region as p.Ile80Thr have been reported in association with disease in ClinVar and the literature and it is located in a region of GNB1 that is essential to protein folding and stability, suggesting that this variant is in a hot spot and functional domain and supports pathogenicity (PMID: 27108799). One additional likely pathogenic variant, resulting in a different amino acid change at the same position, p.Ile80Asn, has been reported in association with disease in the literature and in ClinVar, slightly supporting that a change at this position may not be tolerated (PMID: 27108799/Variation ID: 224715). The number of missense variants reported in GNB1 in the general population is lower than expected, suggesting there is little benign variation in this gene and slightly increasing the possibility that a missense variant in this gene may not be tolerated. In summary, this variant meets criteria to be classified as pathogenic for intellectual disability, autosomal dominant 42 in an autosomal dominant manner based on reports of de novo cases, absence from control databases, multiple reports of affected individuals with the variant in the literature. ACMG/AMP Criteria applied: PS2, PM2, PS4_moderate, PS3_supporting, PM1, PM5_supporting, PP2 (Richards 2015).

Laboratorio de Genetica e Diagnostico Molecular, Hospital Israelita Albert Einstein
Classification: Pathogenic for Intellectual developmental disorder, autosomal dominant 42. Last evaluated: 2021-11-30. Review status: criteria provided, single submitter. Criteria: ACMG Guidelines, 2015. Collection method: clinical testing. Allele origin: germline. Affected: yes.
Comment: ACMG classification criteria: PS3 supporting, PS4 strong, PM2 moderate, PM6 strong, PP2 supporting

GeneDx
Classification: Pathogenic. Last evaluated: 2021-11-19. Review status: criteria provided, single submitter. Criteria: GeneDx Variant Classification Process June 2021. Collection method: clinical testing. Allele origin: germline. Affected: yes.
Comment: In silico analysis, which includes protein predictors and evolutionary conservation, supports a deleterious effect; Not observed in large population cohorts (Lek et al., 2016); In-silico analysis is inconclusive as to whether the variant alters gene splicing. In the absence of RNA/functional studies, the actual effect of this sequence change is unknown.; This variant is associated with the following publications: (PMID: 27513193, 27108799, 31142838, 25485910, 30194818, 31036916, 31735425, 32963807, 34096027, 31785789)

Cytogénomique, Hospices Civils de Lyon
Classification: Pathogenic for Intellectual disability. Last evaluated: 2021-08-02. Review status: criteria provided, single submitter. Criteria: ACMG Guidelines, 2015. Collection method: clinical testing. Allele origin: de novo. Inheritance: Sporadic. Affected: yes. Observed: 1 variant allele, 1 heterozygote.
Comment: de novo variant previously in Clinvar, predicted deleterious

Neurogenetics Research Program, University of Adelaide
Classification: Pathogenic for Cerebral palsy. Last evaluated: 2021-06-10. Review status: criteria provided, single submitter. Criteria: ACMG Guidelines, 2015. Collection method: research. Allele origin: unknown. Affected: yes. Observed: 1 variant allele.

Revvity Omics, Revvity
Classification: Pathogenic for Intellectual developmental disorder, autosomal dominant 42. Last evaluated: 2021-04-06. Review status: criteria provided, single submitter. Criteria: ACMG Guidelines, 2015. Collection method: clinical testing. Allele origin: germline.

Institute of Human Genetics, Clinical Exome/Genome Diagnostics Group, University Hospital Bonn
Classification: Pathogenic for Intellectual developmental disorder, autosomal dominant 42. Last evaluated: 2021-02-18. Review status: criteria provided, single submitter. Criteria: ACMG Guidelines, 2015. Collection method: clinical testing. Allele origin: de novo. Affected: yes.
Comment: PS1, PS2, PS3_supporting, PM1, PM2, PP2

Department of Paediatrics and Adolescent Medicine, The University of Hong Kong
Classification: Pathogenic for Intellectual developmental disorder, autosomal dominant 42. Last evaluated: 2020-06-02. Review status: criteria provided, single submitter. Criteria: ACMG Guidelines, 2015. Collection method: research. Allele origin: unknown. Inheritance: Autosomal dominant inheritance. Affected: yes.

Cytogénomique, Hospices Civils de Lyon
Classification: Pathogenic for Global developmental delay. Last evaluated: 2019-11-01. Review status: criteria provided, single submitter. Criteria: ACMG Guidelines, 2015. Collection method: clinical testing. Allele origin: de novo. Affected: yes.

Institute of Human Genetics Munich, TUM University Hospital
Classification: Pathogenic for Intellectual developmental disorder, autosomal dominant 42. Last evaluated: 2019-08-19. Review status: criteria provided, single submitter. Criteria: Classification criteria August 2017. Collection method: clinical testing. Allele origin: de novo. Inheritance: Autosomal dominant inheritance. Affected: yes. Observed: 1 heterozygote.